The following is an entry in ClinVar:

ClinVar aggregate classification (germline): Uncertain significance (1 of 4 stars; one submission).

Conditions:
Progressive microcephaly-seizures-cortical blindness-developmental delay syndrome. Also called: Seizures, cortical blindness, and microcephaly syndrome. Identifiers: Orphanet 477814, MedGen C5567650, MONDO:0014714, OMIM 616632.
Autosomal dominant nonsyndromic hearing loss 1. Also called: KONIGSMARK SYNDROME; DEAFNESS, AUTOSOMAL DOMINANT 1, WITH OR WITHOUT THROMBOCYTOPENIA. Identifiers: Orphanet 90635, MedGen C1852282, MONDO:0007424, OMIM 124900.

gnomAD v4.1: 1 of 1,613,912 alleles (0.000062%); no homozygotes.

Submission:

Labcorp Genetics (formerly Invitae), Labcorp
Classification: Uncertain significance for Progressive microcephaly-seizures-cortical blindness-developmental delay syndrome; Autosomal dominant nonsyndromic hearing loss 1. Last evaluated: 2022-10-28. Review status: criteria provided, single submitter. Criteria: Invitae Variant Classification Sherloc (09022015). Collection method: clinical testing. Allele origin: germline.
Comment: This sequence change replaces serine, which is neutral and polar, with leucine, which is neutral and non-polar, at codon 404 of the DIAPH1 protein (p.Ser404Leu). This variant is not present in population databases (gnomAD no frequency). In summary, the available evidence is currently insufficient to determine the role of this variant in disease. Therefore, it has been classified as a Variant of Uncertain Significance. Algorithms developed to predict the effect of missense changes on protein structure and function are either unavailable or do not agree on the potential impact of this missense change (SIFT: "Deleterious"; PolyPhen-2: "Not Available"; Align-GVGD: "Class C0"). This variant has not been reported in the literature in individuals affected with DIAPH1-related conditions.

NM_005219.5(DIAPH1):c.1211C>T (p.Ser404Leu)

Gene: DIAPH1 (diaphanous related formin 1; minus strand). Cytogenetic location: 5q31.3.
Variant type: single nucleotide variant.
Coding change: c.1211C>T on transcript NM_005219.5 (MANE Select); coding-DNA position 1211, C replaced by T.
Protein change: p.Ser404Leu; replaces serine 404 with leucine.
Molecular consequence: missense variant.
Genome position (GRCh38, 1-based): chr5:141,577,544, G>A on the plus strand (C>T on the coding strand, the complement: DIAPH1 is on the minus strand). VCF-style: chr5-141577544-G-A. GRCh37 (hg19) VCF-style: chr5-140957111-G-A.
Other names: c.1184C>T, p.Ser395Leu (NM_001079812.3); c.1211C>T, p.Ser404Leu (NM_001314007.2); short protein forms S404L, S395L.
Identifiers: ClinVar variation 2941071 (VCV002941071.3), dbSNP rs2513754668, ClinGen allele CA361529048.